The following is an entry in ClinVar:

ClinVar aggregate classification (germline): Likely pathogenic (1 of 4 stars; one submission).

Conditions:
Dyskeratosis congenita, autosomal recessive 5 (DKCB5). Identifiers: MedGen C3554656, MONDO:0014076, OMIM 615190.
Pulmonary fibrosis and/or bone marrow failure, Telomere-related, 3. Also called: PULMONARY FIBROSIS AND/OR BONE MARROW FAILURE SYNDROME, TELOMERE-RELATED, 3. Identifiers: Orphanet 2032, MedGen C4225346, MONDO:0014613, OMIM 616373.

Submission:

Labcorp Genetics (formerly Invitae), Labcorp
Classification: Likely pathogenic for Dyskeratosis congenita, autosomal recessive 5; Pulmonary fibrosis and/or bone marrow failure, Telomere-related, 3. Last evaluated: 2022-11-15. Review status: criteria provided, single submitter. Criteria: Invitae Variant Classification Sherloc (09022015). Collection method: clinical testing. Allele origin: unknown.
Comment: In summary, the currently available evidence indicates that the variant is pathogenic, but additional data are needed to prove that conclusively. Therefore, this variant has been classified as Likely Pathogenic. ClinVar contains an entry for this variant (Variation ID: 949701). This variant has not been reported in the literature in individuals affected with RTEL1-related conditions. This variant results in the deletion of the genomic region encompassing exon 30 and part of exon 29 (c.2782_2992+170del) of the RTEL1 gene. It is expected to disrupt RNA splicing. Variants that disrupt the donor or acceptor splice site typically lead to a loss of protein function (PMID: 16199547), and loss-of-function variants in RTEL1 are known to be pathogenic (PMID: 23453664, 23959892, 25607374).

Literature cited by the submitters: PubMed 16199547; PubMed 23453664; PubMed 23959892; PubMed 25607374.

NC_000020.10:g.(?_62324287)_(62324806_?)del

Gene: RTEL1 (regulator of telomere elongation helicase 1; plus strand). Cytogenetic location: 20q13.33.
Variant type: Deletion.
Identifiers: ClinVar variation 3248306 (VCV003248306.1).